The following is an entry in ClinVar:

NM_017875.4(SLC25A38):c.625+291G>A

Gene: SLC25A38 (solute carrier family 25 member 38; plus strand). Cytogenetic location: 3p22.1.
Variant type: single nucleotide variant.
Coding change: c.625+291G>A on transcript NM_017875.4 (MANE Select); 291 bases into the intron after coding-DNA position 625, G replaced by A.
Molecular consequence: intron variant.
Genome position (GRCh38, 1-based): chr3:39,392,312, G>A. VCF-style: chr3-39392312-G-A. GRCh37 (hg19) VCF-style: chr3-39433803-G-A.
Other names: c.625+291G>A (NM_001354798.2).
Identifiers: ClinVar variation 671099 (VCV000671099.1), dbSNP rs35283414, ClinGen allele CA11622992.
Genomic context (GRCh38, chr3:39,392,312, plus strand): 5'-GGGGTGAGGATAGGGTGGGTGGGAGGGAAATAAAGCATGCTTTGCAGAGTTTCTGCAACA[G>A]TACTTCCCAAATTTGATCTTAAGATTGCTGGGTCCCATCCAAGGCCTCTTAGATGAGAAA-3'

ClinVar aggregate classification (germline): Benign (1 of 4 stars; one submission).

Allele frequency attached by ClinVar (database versions not stated): TOPMed 0.26015; gnomAD 0.26255 and 0.26490; 1000 Genomes Project 0.25140; 1000 Genomes Project 30x 0.25250.
gnomAD v4.1: 39,868 of 150,716 alleles (26%); highest among the groups gnomAD compares: Non-Finnish European, 32%; 5,840 homozygotes.

Submission:

GeneDx
Classification: Benign. Last evaluated: 2018-06-14. Review status: criteria provided, single submitter. Criteria: GeneDx Variant Classification (06012015). Collection method: clinical testing. Allele origin: germline. Affected: yes.
Comment: This variant is considered likely benign or benign based on one or more of the following criteria: it is a conservative change, it occurs at a poorly conserved position in the protein, it is predicted to be benign by multiple in silico algorithms, and/or has population frequency not consistent with disease.